The following is an entry in ClinVar:

ClinVar aggregate classification (germline): Likely benign. Review status: criteria provided, single submitter (1 of 4 stars). 2 submissions from 2 submitters: Likely benign (1). 1 of the submissions does not count toward it. Last evaluated 2025-02-17.

Conditions:
ADA2-related disorder. Also called: ADA2-related condition.
Deficiency of adenosine deaminase 2. Also called: Polyarteritis nodosa, childhoood-onset; Adenosine Deaminase 2 Deficiency; VASCULITIS, AUTOINFLAMMATION, IMMUNODEFICIENCY, AND HEMATOLOGIC DEFECTS SYNDROME. Identifiers: Orphanet 404553, MedGen C3887654, MONDO:0014306, OMIM 615688, MONDO:0100317.

Allele frequency attached by ClinVar (database versions not stated): gnomAD exomes 0.00001.
gnomAD v4.1: 20 of 1,614,018 alleles (0.0012%); highest among the groups gnomAD compares: East Asian, 0.042%; no homozygotes.

Submissions (2):

Labcorp Genetics (formerly Invitae), Labcorp
Classification: Likely benign for Deficiency of adenosine deaminase 2. Last evaluated: 2025-02-17. Review status: criteria provided, single submitter. Criteria: Invitae Variant Classification Sherloc (09022015). Collection method: clinical testing. Allele origin: germline.

PreventionGenetics, part of Exact Sciences
Classification: Likely benign for ADA2-related condition. Last evaluated: 2020-12-08. Review status: no assertion criteria provided. Collection method: clinical testing. Allele origin: germline. Not counted in ClinVar's aggregate classification.
Comment: This variant is classified as likely benign based on ACMG/AMP sequence variant interpretation guidelines (Richards et al. 2015 PMID: 25741868, with internal and published modifications).

NM_001282225.2(ADA2):c.837T>G (p.Thr279=)

Gene: ADA2 (adenosine deaminase 2; minus strand). Cytogenetic location: 22q11.1.
Variant type: single nucleotide variant.
Coding change: c.837T>G on transcript NM_001282225.2 (MANE Select); coding-DNA position 837, T replaced by G.
Protein change: p.Thr279=; no amino-acid change (threonine 279 retained).
Molecular consequence: synonymous variant.
Genome position (GRCh38, 1-based): chr22:17,191,727, A>C on the plus strand (T>G on the coding strand, the complement: ADA2 is on the minus strand). VCF-style: chr22-17191727-A-C. GRCh37 (hg19) VCF-style: chr22-17672617-A-C.
Other names: c.837T>G (NM_001282225.1); c.837T>G, p.Thr279= (NM_001282226.2); c.711T>G, p.Thr237= (NM_001282227.2, NM_001282228.2); c.477T>G, p.Thr159= (NM_001282229.2); c.114T>G, p.Thr38= (NM_177405.3).
Identifiers: ClinVar variation 1146508 (VCV001146508.11), dbSNP rs2062117386, ClinGen allele CA512820176.